The following is an entry in ClinVar:

NM_052874.5(STX1B):c.334del (p.Leu112fs)

Gene: STX1B (syntaxin 1B; minus strand). Cytogenetic location: 16p11.2.
Variant type: Deletion.
Coding change: c.334del on transcript NM_052874.5 (MANE Select); coding-DNA position 334, one base deleted (C; older notation c.334delC).
Protein change: p.Leu112fs; shifts the reading frame from leucine 112.
Molecular consequence: frameshift variant.
Genome position (GRCh38, 1-based): chr16:30,997,522, G deleted on the plus strand (C on the coding strand, the reverse complement: STX1B is on the minus strand); the first of 2 consecutive G bases (chr16:30,997,522-30,997,523); deleting either gives the same sequence. VCF-style (leftmost placement, unchanged base first): chr16-30997521-AG-A. GRCh37 (hg19) VCF-style: chr16-31008842-AG-A.
Other names: short protein forms L112fs.
Identifiers: ClinVar variation 1070577 (VCV001070577.7), dbSNP rs2143670891, ClinGen allele CA2499223507.

ClinVar aggregate classification (germline): Pathogenic (1 of 4 stars; one submission).

Conditions:
Generalized epilepsy with febrile seizures plus, type 9 (GEFSP9). Also called: GEFS+, TYPE 9. Identifiers: Orphanet 36387, MedGen C4015395, MONDO:0014517, OMIM 616172.

Submission:

Labcorp Genetics (formerly Invitae), Labcorp
Classification: Pathogenic for Generalized epilepsy with febrile seizures plus, type 9. Last evaluated: 2020-08-18. Review status: criteria provided, single submitter. Criteria: Invitae Variant Classification Sherloc (09022015). Collection method: clinical testing. Allele origin: germline.
Comment: This sequence change creates a premature translational stop signal (p.Leu112Cysfs*18) in the STX1B gene. It is expected to result in an absent or disrupted protein product. This variant is not present in population databases (ExAC no frequency). This variant has not been reported in the literature in individuals with STX1B-related conditions. Loss-of-function variants in STX1B are known to be pathogenic (PMID: 25362483). For these reasons, this variant has been classified as Pathogenic.

Literature cited by the submitters: PubMed 25362483.